The following is an entry in ClinVar:

ClinVar aggregate classification (germline): Likely benign. Review status: criteria provided, multiple submitters, no conflicts (2 of 4 stars). 3 submissions from 3 submitters: Likely benign (3). Last evaluated 2024-11-22.

Conditions:
Episodic ataxia type 2 (EA2). Also called: ATAXIA, EPISODIC, WITH NYSTAGMUS; ATAXIA, FAMILIAL PAROXYSMAL; CEREBELLAR ATAXIA, PAROXYSMAL, ACETAZOLAMIDE-RESPONSIVE; CEREBELLOPATHY, HEREDITARY PAROXYSMAL; EPISODIC ATAXIA, NYSTAGMUS-ASSOCIATED; ACETAZOLAMIDE-RESPONSIVE HEREDITARY PAROXYSMAL CEREBELLAR ATAXIA. Identifiers: Orphanet 97, MedGen C1720416, MONDO:0007163, OMIM 108500.
Developmental and epileptic encephalopathy, 42 (DEE42A). Also called: DEVELOPMENTAL AND EPILEPTIC ENCEPHALOPATHY 42A; EPILEPTIC ENCEPHALOPATHY, EARLY INFANTILE, 42A; Epileptic encephalopathy, early infantile, 42. Identifiers: MedGen C4310716, MONDO:0014917, OMIM 617106.

gnomAD v4.1: 4 of 1,601,682 alleles (0.00025%); highest among the groups gnomAD compares: Non-Finnish European, 0.00034%; no homozygotes.

Submissions (3):

Blueprint Genetics
Classification: Likely benign. Last evaluated: 2024-11-22. Review status: criteria provided, single submitter. Criteria: ACMG Guidelines, 2015. Collection method: clinical testing. Allele origin: germline.

Labcorp Genetics (formerly Invitae), Labcorp
Classification: Likely benign for Developmental and epileptic encephalopathy, 42; Episodic ataxia type 2. Last evaluated: 2020-09-19. Review status: criteria provided, single submitter. Criteria: Invitae Variant Classification Sherloc (09022015). Collection method: clinical testing. Allele origin: germline.

GeneDx
Classification: Likely benign. Last evaluated: 2017-07-27. Review status: criteria provided, single submitter. Criteria: GeneDx Variant Classification (06012015). Collection method: clinical testing. Allele origin: germline. Affected: yes.
Comment: This variant is considered likely benign or benign based on one or more of the following criteria: it is a conservative change, it occurs at a poorly conserved position in the protein, it is predicted to be benign by multiple in silico algorithms, and/or has population frequency not consistent with disease.

NM_001127222.2(CACNA1A):c.990C>G (p.Ala330=)

Genes: CACNA1A (calcium voltage-gated channel subunit alpha1 A; minus strand), LOC126862866 (MED14-independent group 3 enhancer GRCh37_chr19:13445719-13446918; plus strand). Cytogenetic location: 19p13.13.
Variant type: single nucleotide variant.
Coding change: c.990C>G on transcript NM_001127222.2 (MANE Select); coding-DNA position 990, C replaced by G.
Protein change: p.Ala330=; no amino-acid change (alanine 330 retained).
Molecular consequence: synonymous variant.
Genome position (GRCh38, 1-based): chr19:13,335,898, G>C on the plus strand (C>G on the coding strand, the complement: CACNA1A is on the minus strand). VCF-style: chr19-13335898-G-C. GRCh37 (hg19) VCF-style: chr19-13446712-G-C.
Other names: c.990C>G, p.Ala330= (NM_000068.4, NM_001127221.2, NM_001174080.2 and 1 more transcripts).
Identifiers: ClinVar variation 511112 (VCV000511112.11), dbSNP rs1555767932, ClinGen allele CA505664331.